The following is an entry in ClinVar:

NM_007294.4(BRCA1):c.671-10A>G

Gene: BRCA1 (BRCA1 DNA repair associated; minus strand). Cytogenetic location: 17q21.31.
Variant type: single nucleotide variant.
Coding change: c.671-10A>G on transcript NM_007294.4 (MANE Select); 10 bases into the intron before coding-DNA position 671, A replaced by G.
Molecular consequence: intron variant.
Genome position (GRCh38, 1-based): chr17:43,094,870, T>C on the plus strand (A>G on the coding strand, the complement: BRCA1 is on the minus strand). VCF-style: chr17-43094870-T-C. GRCh37 (hg19) VCF-style: chr17-41246887-T-C.
Other names: IVS10-10A>G; c.530-10A>G (NM_001408458.1, NM_001408469.1, NM_001408453.1 and 43 more transcripts); c.-218-10A>G (NM_001407967.1, NM_001407966.1); c.290-10A>G (NM_001407959.1, NM_001408510.1, NM_001407963.1 and 1 more transcripts); c.404-10A>G (NM_001407931.1, NM_001407932.1, NM_001408503.1 and 5 more transcripts); c.527-10A>G (NM_001407747.1, NM_001408470.1, NM_001407848.1 and 26 more transcripts); c.287-10A>G (NM_001407962.1); c.167-10A>G (NM_001408512.1, NM_001407965.1); and 21 more.
Identifiers: ClinVar variation 91662 (VCV000091662.22), dbSNP rs398122707, ClinGen allele CA003799.

ClinVar aggregate classification (germline): Conflicting classifications of pathogenicity. Review status: criteria provided, conflicting classifications (1 of 4 stars). 7 submissions from 7 submitters: Uncertain significance (1); Likely benign (5). 1 of the submissions does not count toward it. Last evaluated 2025-06-22.

Conditions:
BRCA1-related cancer predisposition. Identifiers: MedGen CN377757, MONDO:0700268.
Hereditary cancer-predisposing syndrome. Also called: Hereditary Cancer Syndrome; Neoplastic Syndromes, Hereditary; Hereditary neoplastic syndrome; Tumor predisposition. Identifiers: Orphanet 140162, MedGen C0027672, MeSH D009386, MONDO:0015356.
Breast-ovarian cancer, familial, susceptibility to, 1 (BROVCA1). Also called: BRCA1 Hereditary Breast and Ovarian Cancer; OVARIAN CANCER, SUSCEPTIBILITY TO. Identifiers: Orphanet 145, MedGen C2676676, MONDO:0011450, OMIM 604370. Disease mechanism: loss of function.
Hereditary breast ovarian cancer syndrome. Also called: Hereditary breast and/or ovarian cancer syndrome; Hereditary breast and ovarian cancer syndrome; Hereditary breast and ovarian cancer; Hereditary breast and ovarian cancer syndrome (HBOC); Breast and ovarian cancer; BRCA1- and BRCA2-Associated Hereditary Breast and Ovarian Cancer. Identifiers: Orphanet 145, MedGen C0677776, MeSH D061325, MONDO:0003582. Disease mechanism: loss of function.

Allele frequency attached by ClinVar (database versions not stated): gnomAD exomes below 0.00001 and 0.00001; TOPMed below 0.00001; gnomAD 0.00003.
gnomAD v4.1: 3 of 1,601,682 alleles (0.00019%); highest among the groups gnomAD compares: South Asian, 0.0011%; no homozygotes.

Submissions (7):

Labcorp Genetics (formerly Invitae), Labcorp
Classification: Likely benign for Hereditary breast ovarian cancer syndrome. Last evaluated: 2025-06-22. Review status: criteria provided, single submitter. Criteria: Invitae Variant Classification Sherloc (09022015). Collection method: clinical testing. Allele origin: germline.

Blueprint Genetics
Classification: Likely benign. Last evaluated: 2024-09-15. Review status: criteria provided, single submitter. Criteria: ACMG Guidelines, 2015. Collection method: clinical testing. Allele origin: germline.

All of Us Research Program, National Institutes of Health
Classification: Likely benign for BRCA1-related cancer predisposition. Last evaluated: 2024-06-09. Review status: criteria provided, single submitter. Criteria: ACMG Guidelines, 2015. Collection method: clinical testing. Allele origin: germline. Inheritance: Autosomal dominant inheritance. Observed: 2 variant alleles, 2 heterozygotes.
Comment: This study involves interpretation of variants in research participants for the purpose of population health screening. Participant phenotype was not available at the time of variant classification. Additional details can be found in publication PMID: 35346344, PMCID: PMC8962531

GeneDx
Classification: Likely benign. Last evaluated: 2020-10-13. Review status: criteria provided, single submitter. Criteria: GeneDx Variant Classification Process June 2021. Collection method: clinical testing. Allele origin: germline. Affected: yes.

Illumina Laboratory Services, Illumina
Classification: Uncertain significance for Breast-ovarian cancer, familial, susceptibility to, 1. Last evaluated: 2018-01-12. Review status: criteria provided, single submitter. Criteria: ICSL Variant Classification Criteria 13 December 2019. Collection method: clinical testing. Allele origin: germline.

Color Diagnostics, LLC DBA Color Health
Classification: Likely benign for Hereditary cancer-predisposing syndrome. Last evaluated: 2017-07-06. Review status: criteria provided, single submitter. Criteria: ACMG Guidelines, 2015. Collection method: clinical testing. Allele origin: germline.

Sharing Clinical Reports Project (SCRP)
Classification: Likely benign for Breast-ovarian cancer, familial 1. Last evaluated: 2010-06-01. Review status: no assertion criteria provided. Collection method: clinical testing. Allele origin: germline. Not counted in ClinVar's aggregate classification.